The following is an entry in ClinVar:

NM_006231.4(POLE):c.773C>A (p.Thr258Asn)

Gene: POLE (DNA polymerase epsilon, catalytic subunit; minus strand). Cytogenetic location: 12q24.33.
Variant type: single nucleotide variant.
Coding change: c.773C>A on transcript NM_006231.4 (MANE Select); coding-DNA position 773, C replaced by A.
Protein change: p.Thr258Asn; replaces threonine 258 with asparagine.
Molecular consequence: missense variant.
Genome position (GRCh38, 1-based): chr12:132,677,391, G>T on the plus strand (C>A on the coding strand, the complement: POLE is on the minus strand). VCF-style: chr12-132677391-G-T. GRCh37 (hg19) VCF-style: chr12-133253977-G-T.
Other names: c.773C>A (NM_006231.2); short protein forms T258N.
Identifiers: ClinVar variation 938651 (VCV000938651.10), dbSNP rs1196808684, ClinGen allele CA387364452.

ClinVar aggregate classification (germline): Conflicting classifications of pathogenicity. Review status: criteria provided, conflicting classifications (1 of 4 stars). 2 submissions from 2 submitters: Uncertain significance (1); Likely benign (1). Last evaluated 2026-03-30.

Conditions:
Hereditary cancer-predisposing syndrome. Also called: Hereditary Cancer Syndrome; Neoplastic Syndromes, Hereditary; Tumor predisposition; Hereditary neoplastic syndrome. Identifiers: Orphanet 140162, MedGen C0027672, MeSH D009386, MONDO:0015356.

Submissions (2):

Ambry Genetics
Classification: Likely benign for Hereditary cancer-predisposing syndrome. Last evaluated: 2026-03-30. Review status: criteria provided, single submitter. Criteria: Ambry Variant Classification Scheme 2023. Collection method: clinical testing. Allele origin: germline.

Labcorp Genetics (formerly Invitae), Labcorp
Classification: Uncertain significance. Last evaluated: 2019-08-22. Review status: criteria provided, single submitter. Criteria: Invitae Variant Classification Sherloc (09022015). Collection method: clinical testing. Allele origin: germline.
Comment: In summary, the available evidence is currently insufficient to determine the role of this variant in disease. Therefore, it has been classified as a Variant of Uncertain Significance. Algorithms developed to predict the effect of missense changes on protein structure and function are either unavailable or do not agree on the potential impact of this missense change (SIFT: "Deleterious"; PolyPhen-2: "Benign"; Align-GVGD: "Class C0"). This variant has not been reported in the literature in individuals with POLE-related conditions. This variant is not present in population databases (ExAC no frequency). This sequence change replaces threonine with asparagine at codon 258 of the POLE protein (p.Thr258Asn). The threonine residue is moderately conserved and there is a small physicochemical difference between threonine and asparagine.